The following is an entry in ClinVar:

NM_172351.3(CD46):c.390-2A>G

Gene: CD46 (CD46 molecule; plus strand). Cytogenetic location: 1q32.2.
Variant type: single nucleotide variant.
Coding change: c.390-2A>G on transcript NM_172351.3 (MANE Select); the canonical splice acceptor site of the intron before coding-DNA position 390, A replaced by G.
Molecular consequence: splice acceptor variant.
Genome position (GRCh38, 1-based): chr1:207,759,637, A>G. VCF-style: chr1-207759637-A-G. GRCh37 (hg19) VCF-style: chr1-207932982-A-G.
Other names: c.390-2A>G (NM_002389.4, NM_172359.3, NM_153826.4 and 8 more transcripts).
Identifiers: ClinVar variation 4291206 (VCV004291206.1).

ClinVar aggregate classification (germline): Pathogenic, low penetrance (1 of 4 stars; one submission).

Conditions:
Atypical hemolytic-uremic syndrome. Identifiers: Orphanet 2134, MedGen C2931788, MONDO:0016244.

Submission:

Genomenon, Inc
Classification: Pathogenic, low penetrance for Atypical hemolytic-uremic syndrome. Last evaluated: 2025-10-02. Review status: criteria provided, single submitter. Criteria: Genomenon Sequence Variant Interpretation Standards. Collection method: curation. Allele origin: germline. Affected: yes.
Comment: CD46 c.390-2A>G is a canonical splice variant located in the acceptor splice region in intron 3. It is predicted to affect mRNA splicing, leading to a deleterious effect on the CD46 protein. This variant has been observed in at least one proband affected with atypical hemolytic-uremic syndrome (PMID:27268256). It is absent or not present at a significant frequency in gnomAD. In conclusion, we classify CD46 c.390-2A>G as a pathogenic variant.

Literature cited by the submitters: PubMed 27268256.